The following is an entry in ClinVar:

NM_173546.3(KLHDC8B):c.324G>C (p.Glu108Asp)

Gene: KLHDC8B (kelch domain containing 8B; plus strand). Cytogenetic location: 3p21.31.
Variant type: single nucleotide variant.
Coding change: c.324G>C on transcript NM_173546.3 (MANE Select); coding-DNA position 324, G replaced by C.
Protein change: p.Glu108Asp; replaces glutamic acid 108 with aspartic acid.
Molecular consequence: missense variant.
Genome position (GRCh38, 1-based): chr3:49,173,093, G>C. VCF-style: chr3-49173093-G-C. GRCh37 (hg19) VCF-style: chr3-49210526-G-C.
Other names: short protein forms E108D.
Identifiers: ClinVar variation 4809608 (VCV004809608.1).
Genomic context (GRCh38, chr3:49,173,093, plus strand): 5'-TGAGGTCCAGAGCCCGGTAGCTGCTGTAGAGGCCTTCCTGATGGATGAGGGCCGCTGGGA[G>C]CGTCGGGCCACCCTCCCTCAAGCAGCCATGGGGGTTGCAACTGTGGAGAGAGGTGAGTGG-3'
Protein context (NP_775817.1, residues 98-118): EAFLMDEGRW[Glu108Asp]RRATLPQAAM

ClinVar aggregate classification (germline): Uncertain significance (1 of 4 stars; one submission).

Submission:

Labcorp Genetics (formerly Invitae), Labcorp
Classification: Uncertain significance. Last evaluated: 2025-09-13. Review status: criteria provided, single submitter. Criteria: Invitae Variant Classification Sherloc (09022015). Collection method: clinical testing. Allele origin: germline.
Comment: This sequence change replaces glutamic acid, which is acidic and polar, with aspartic acid, which is acidic and polar, at codon 108 of the KLHDC8B protein (p.Glu108Asp). This variant is not present in population databases (gnomAD no frequency). This variant has not been reported in the literature in individuals affected with KLHDC8B-related conditions. An algorithm developed to predict the effect of missense changes on protein structure and function (PolyPhen-2) suggests that this variant is likely to be disruptive. In summary, the available evidence is currently insufficient to determine the role of this variant in disease. Therefore, it has been classified as a Variant of Uncertain Significance.